The following is an entry in ClinVar:

ClinVar aggregate classification (germline): Uncertain significance. Review status: criteria provided, multiple submitters, no conflicts (2 of 4 stars). 2 submissions from 2 submitters: Uncertain significance (2). Last evaluated 2025-02-21.

Submissions (2):

GeneDx
Classification: Uncertain significance. Last evaluated: 2025-02-21. Review status: criteria provided, single submitter. Criteria: GeneDx Variant Classification Process June 2021. Collection method: clinical testing. Allele origin: germline. Affected: yes.
Comment: Not observed at significant frequency in large population cohorts (gnomAD); In silico analysis indicates that this missense variant does not alter protein structure/function; Has not been previously published as pathogenic or benign to our knowledge

Labcorp Genetics (formerly Invitae), Labcorp
Classification: Uncertain significance. Last evaluated: 2022-04-22. Review status: criteria provided, single submitter. Criteria: Invitae Variant Classification Sherloc (09022015). Collection method: clinical testing. Allele origin: germline.
Comment: This sequence change replaces arginine, which is basic and polar, with glutamine, which is neutral and polar, at codon 442 of the ROR2 protein (p.Arg442Gln). In summary, the available evidence is currently insufficient to determine the role of this variant in disease. Therefore, it has been classified as a Variant of Uncertain Significance. Advanced modeling of protein sequence and biophysical properties (such as structural, functional, and spatial information, amino acid conservation, physicochemical variation, residue mobility, and thermodynamic stability) performed at Invitae indicates that this missense variant is not expected to disrupt ROR2 protein function. This variant has not been reported in the literature in individuals affected with ROR2-related conditions. This variant is not present in population databases (gnomAD no frequency).

NM_004560.4(ROR2):c.1325G>A (p.Arg442Gln)

Gene: ROR2 (receptor tyrosine kinase like orphan receptor 2; minus strand). Cytogenetic location: 9q22.31.
Variant type: single nucleotide variant.
Coding change: c.1325G>A on transcript NM_004560.4 (MANE Select); coding-DNA position 1325, G replaced by A.
Protein change: p.Arg442Gln; replaces arginine 442 with glutamine.
Molecular consequence: missense variant.
Genome position (GRCh38, 1-based): chr9:91,726,602, C>T on the plus strand (G>A on the coding strand, the complement: ROR2 is on the minus strand). VCF-style: chr9-91726602-C-T. GRCh37 (hg19) VCF-style: chr9-94488884-C-T.
Other names: c.1291G>A, p.Asp431Asn (NM_001318204.2); c.1325G>A (NM_004560.3); short protein forms D431N, R442Q.
Identifiers: ClinVar variation 2098970 (VCV002098970.5), dbSNP rs371810993, ClinGen allele CA195325697.